The following is an entry in ClinVar:

ClinVar aggregate classification (germline): Likely pathogenic (1 of 4 stars; one submission).

Conditions:
Hypoplastic pancreas-intestinal atresia-hypoplastic gallbalder syndrome. Also called: DIABETES, NEONATAL, WITH PANCREATIC HYPOPLASIA, INTESTINAL ATRESIA, AND GALLBLADDER APLASIA OR HYPOPLASIA; Mitchell-Riley syndrome. Identifiers: Orphanet 293864, MedGen C2748662, MONDO:0017400, OMIM 615710.

Submission:

Juno Genomics, Hangzhou Juno Genomics, Inc
Classification: Likely pathogenic for Hypoplastic pancreas-intestinal atresia-hypoplastic gallbalder syndrome. Review status: criteria provided, single submitter. Criteria: ACMG Guidelines, 2015. Collection method: clinical testing. Allele origin: germline.
Comment: Null variant in a gene where loss of function (LOF) is a known mechanism of disease.;Absent from controls (or at extremely low frequency if recessive) in Genome Aggregation Database.

NM_173560.4(RFX6):c.1207C>T (p.Gln403Ter)

Gene: RFX6 (regulatory factor X6; plus strand). Cytogenetic location: 6q22.1.
Variant type: single nucleotide variant.
Coding change: c.1207C>T on transcript NM_173560.4 (MANE Select); coding-DNA position 1207, C replaced by T.
Protein change: p.Gln403Ter; replaces glutamine 403 with a stop codon.
Molecular consequence: nonsense.
Genome position (GRCh38, 1-based): chr6:116,920,334, C>T. VCF-style: chr6-116920334-C-T. GRCh37 (hg19) VCF-style: chr6-117241497-C-T.
Other names: short protein forms Q403*.
Identifiers: ClinVar variation 5006959 (VCV005006959.2).
Genomic context (GRCh38, chr6:116,920,334, plus strand): 5'-ATATAGTGTAGTGTCTTCTTTACTTTCTCTATGCAGATTGCCAGACCAGCTCTCTTTGAC[C>T]AGCATGTCGTTAATTCTATGGTGTCTGATATTGAAAGGGTTGATTTGAACAGCATTGGCT-3'